The following is an entry in ClinVar:

NM_006231.4(POLE):c.910-18_910-17delinsTT

Gene: POLE (DNA polymerase epsilon, catalytic subunit; minus strand). Cytogenetic location: 12q24.33.
Variant type: Indel.
Coding change: c.910-18_910-17delinsTT on transcript NM_006231.4 (MANE Select); 18 bases into the intron before coding-DNA position 910 through 17 bases into the intron before coding-DNA position 910, GC replaced by TT.
Molecular consequence: intron variant.
Genome position (GRCh38, 1-based): chr12:132,676,221-132,676,222, GC replaced by AA on the plus strand (GC replaced by TT on the coding strand, the reverse complement: POLE is on the minus strand). VCF-style: chr12-132676221-GC-AA. GRCh37 (hg19) VCF-style: chr12-133252807-GC-AA.
Identifiers: ClinVar variation 1578747 (VCV001578747.9), dbSNP rs2136014245, ClinGen allele CA2573148120.

ClinVar aggregate classification (germline): Likely benign. Review status: criteria provided, multiple submitters, no conflicts (2 of 4 stars). 2 submissions from 2 submitters: Likely benign (2). Last evaluated 2025-09-07.

Conditions:
Colorectal cancer, susceptibility to, 12 (CRCS12). Also called: COLORECTAL CANCER, SUSCEPTIBILITY TO, ON CHROMOSOME 12q24. Identifiers: Orphanet 220460, MedGen C3554460, MONDO:0014038, OMIM 615083.

Submissions (2):

Labcorp Genetics (formerly Invitae), Labcorp
Classification: Likely benign. Last evaluated: 2025-09-07. Review status: criteria provided, single submitter. Criteria: Invitae Variant Classification Sherloc (09022015). Collection method: clinical testing. Allele origin: germline.

Myriad Genetics, Inc.
Classification: Likely benign for Colorectal cancer, susceptibility to, 12. Last evaluated: 2025-02-07. Review status: criteria provided, single submitter. Criteria: Myriad Autosomal Dominant, Autosomal Recessive and X-Linked Classification Criteria (2023). Collection method: clinical testing. Allele origin: unknown.
Comment: This variant is considered likely benign. This variant is intronic and is not expected to impact mRNA splicing.